The following is an entry in ClinVar:

ClinVar aggregate classification (germline): Uncertain significance (1 of 4 stars; one submission).

Submission:

GeneDx
Classification: Uncertain significance. Last evaluated: 2022-09-28. Review status: criteria provided, single submitter. Criteria: GeneDx Variant Classification Process June 2021. Collection method: clinical testing. Allele origin: germline. Affected: yes.
Comment: Not observed at significant frequency in large population cohorts (gnomAD); In silico analysis supports a deleterious effect on splicing; Has not been previously published as pathogenic or benign to our knowledge

NM_004523.4(KIF11):c.1875+6T>G

Gene: KIF11 (kinesin family member 11; plus strand). Cytogenetic location: 10q23.33.
Variant type: single nucleotide variant.
Coding change: c.1875+6T>G on transcript NM_004523.4 (MANE Select); 6 bases into the intron after coding-DNA position 1875, T replaced by G.
Molecular consequence: intron variant.
Genome position (GRCh38, 1-based): chr10:92,633,801, T>G. VCF-style: chr10-92633801-T-G. GRCh37 (hg19) VCF-style: chr10-94393558-T-G.
Identifiers: ClinVar variation 2446622 (VCV002446622.1), dbSNP rs2492521181, ClinGen allele CA2580082310.